The following is an entry in ClinVar:

NM_004698.4(PRPF3):c.1342C>T (p.Leu448Phe)

Gene: PRPF3 (pre-mRNA processing factor 3; plus strand). Cytogenetic location: 1q21.2.
Variant type: single nucleotide variant.
Coding change: c.1342C>T on transcript NM_004698.4 (MANE Select); coding-DNA position 1342, C replaced by T.
Protein change: p.Leu448Phe; replaces leucine 448 with phenylalanine.
Molecular consequence: missense variant. On other transcripts: non-coding transcript variant (4).
Genome position (GRCh38, 1-based): chr1:150,343,368, C>T. VCF-style: chr1-150343368-C-T. GRCh37 (hg19) VCF-style: chr1-150315844-C-T.
Other names: c.937C>T, p.Leu313Phe (NM_001350529.1); short protein forms L448F, L313F.
Identifiers: ClinVar variation 4709854 (VCV004709854.1).

ClinVar aggregate classification (germline): Uncertain significance (1 of 4 stars; one submission).

Submission:

Labcorp Genetics (formerly Invitae), Labcorp
Classification: Uncertain significance. Last evaluated: 2025-04-14. Review status: criteria provided, single submitter. Criteria: Invitae Variant Classification Sherloc (09022015). Collection method: clinical testing. Allele origin: germline.
Comment: This sequence change replaces leucine, which is neutral and non-polar, with phenylalanine, which is neutral and non-polar, at codon 448 of the PRPF3 protein (p.Leu448Phe). This variant is not present in population databases (gnomAD no frequency). This variant has not been reported in the literature in individuals affected with PRPF3-related conditions. Invitae Evidence Modeling of protein sequence and biophysical properties (such as structural, functional, and spatial information, amino acid conservation, physicochemical variation, residue mobility, and thermodynamic stability) has been performed for this missense variant. However, the output from this modeling did not meet the statistical confidence thresholds required to predict the impact of this variant on PRPF3 protein function. Algorithms developed to predict the effect of sequence changes on RNA splicing suggest that this variant may disrupt the consensus splice site. In summary, the available evidence is currently insufficient to determine the role of this variant in disease. Therefore, it has been classified as a Variant of Uncertain Significance.